The following is an entry in ClinVar:

NM_001378454.1(ALMS1):c.1186C>T (p.Gln396Ter)

Gene: ALMS1 (ALMS1 centrosome and basal body associated protein; plus strand). Cytogenetic location: 2p13.1.
Variant type: single nucleotide variant.
Coding change: c.1186C>T on transcript NM_001378454.1 (MANE Select); coding-DNA position 1186, C replaced by T.
Protein change: p.Gln396Ter; replaces glutamine 396 with a stop codon.
Molecular consequence: nonsense.
Genome position (GRCh38, 1-based): chr2:73,424,851, C>T. VCF-style: chr2-73424851-C-T. GRCh37 (hg19) VCF-style: chr2-73651979-C-T.
Other names: c.1189C>T, p.Gln397Ter (NM_015120.4); short protein forms Q396*, Q397*.
Identifiers: ClinVar variation 4815767 (VCV004815767.2).

ClinVar aggregate classification (germline): Likely pathogenic. Review status: criteria provided, multiple submitters, no conflicts (2 of 4 stars). 2 submissions from 2 submitters: Likely pathogenic (2). Last evaluated 2025-09-02.

Conditions:
Alstrom syndrome (ALMS). Identifiers: Orphanet 64, MedGen C0268425, MONDO:0008763, OMIM 203800.

Submissions (2):

Variantyx, Inc.
Classification: Likely pathogenic for Alstrom syndrome. Last evaluated: 2025-09-02. Review status: criteria provided, single submitter. Criteria: Variantyx Assertion Criteria 2022. Collection method: clinical testing. Allele origin: germline. Inheritance: Autosomal recessive inheritance. Affected: no.
Comment: This is a nonsense variant in the ALMS1 gene (OMIM: 606844). Pathogenic variants in this gene have been associated with autosomal recessive Alstrom syndrome. This variant introduces a premature termination codon in exon 5 out of 23and is expected to result in loss of function, which is a known disease mechanism for ALMS1 in this disorder (PMID:11941369)(PVS1). This variant is absent from control populations (PM2). This variant has not been reported in individuals with ALMS1-related disorders in the databases available for revi ew. Based on the current evidence, this variant is classified as likely pathogenic for autosomal recessive Alstrom syndrome.No other variant of clinical significance was identified in the ALMS1 gene. A single pathogenic variant in a gene associated with autosomal recessive disease is generally insufficient to cause disease. Therefore, this finding likely represents carrier status.

Natera, Inc.
Classification: Likely pathogenic for Alstrom syndrome. Last evaluated: 2025-02-17. Review status: criteria provided, single submitter. Criteria: Natera Variant Classification Schema (03/2026). Collection method: clinical testing. Allele origin: germline.
Comment: The c.1189C>T variant in ALMS1 is a nonsense variant predicted to introduce a stop codon at amino acid 397. This variant is expected to result in nonsense mediated decay, truncation, or a dysfunctional protein product. This variant is rare in the general population with a frequency below the threshold expected for the associated phenotype(s). Given the available evidence, this variant is classified as Likely Pathogenic.

Literature cited by the submitters: PubMed 11941369 (cited by Variantyx, Inc.).